The following is an entry in ClinVar:

ClinVar aggregate classification (germline): Likely benign. Review status: criteria provided, single submitter (1 of 4 stars). 2 submissions from 2 submitters: Likely benign (1). 1 of the submissions does not count toward it. Last evaluated 2019-12-31.

Conditions:
AHNAK2-related disorder. Also called: AHNAK2-related condition.

Allele frequency attached by ClinVar (database versions not stated): 1000 Genomes Project 0.00020; 1000 Genomes Project 30x 0.00031; gnomAD 0.00070; gnomAD exomes 0.00099; ExAC 0.00126; ESP Exome Variant Server 0.00148.

Submissions (2):

Labcorp Genetics (formerly Invitae), Labcorp
Classification: Likely benign. Last evaluated: 2019-12-31. Review status: criteria provided, single submitter. Criteria: Invitae Variant Classification Sherloc (09022015). Collection method: clinical testing. Allele origin: germline.

PreventionGenetics, part of Exact Sciences
Classification: Likely benign for AHNAK2-related condition. Last evaluated: 2019-02-19. Review status: no assertion criteria provided. Collection method: clinical testing. Allele origin: germline. Not counted in ClinVar's aggregate classification.
Comment: This variant is classified as likely benign based on ACMG/AMP sequence variant interpretation guidelines (Richards et al. 2015 PMID: 25741868, with internal and published modifications).

NM_138420.4(AHNAK2):c.156G>A (p.Pro52=)

Gene: AHNAK2 (AHNAK nucleoprotein 2; minus strand). Cytogenetic location: 14q32.33.
Variant type: single nucleotide variant.
Coding change: c.156G>A on transcript NM_138420.4 (MANE Select); coding-DNA position 156, G replaced by A.
Protein change: p.Pro52=; no amino-acid change (proline 52 retained).
Molecular consequence: synonymous variant. On other transcripts: 5 prime UTR variant (1).
Genome position (GRCh38, 1-based): chr14:104,957,467, C>T on the plus strand (G>A on the coding strand, the complement: AHNAK2 is on the minus strand). VCF-style: chr14-104957467-C-T. GRCh37 (hg19) VCF-style: chr14-105423804-C-T.
Other names: c.-145G>A (NM_001350929.2).
Identifiers: ClinVar variation 709612 (VCV000709612.6), dbSNP rs45455498, ClinGen allele CA7384143.